The following is an entry in ClinVar:

NM_001318895.3(FHL2):c.139A>G (p.Ile47Val)

Gene: FHL2 (four and a half LIM domains 2; minus strand). Cytogenetic location: 2q12.2.
Variant type: single nucleotide variant.
Coding change: c.139A>G on transcript NM_001318895.3 (MANE Select); coding-DNA position 139, A replaced by G.
Protein change: p.Ile47Val; replaces isoleucine 47 with valine.
Molecular consequence: missense variant. On other transcripts: 5 prime UTR variant (3).
Genome position (GRCh38, 1-based): chr2:105,386,378, T>C on the plus strand (A>G on the coding strand, the complement: FHL2 is on the minus strand). VCF-style: chr2-105386378-T-C. GRCh37 (hg19) VCF-style: chr2-106002835-T-C.
Other names: c.139A>G, p.Ile47Val (NM_001039492.3, NM_001318894.1, NM_001318896.2 and 4 more transcripts); c.-29A>G (NM_001318897.2, NM_001318898.2); c.-308A>G (NM_001318899.2); short protein forms I47V.
Identifiers: ClinVar variation 864548 (VCV000864548.8), dbSNP rs1682314685, ClinGen allele CA348100187.

ClinVar aggregate classification (germline): Uncertain significance. Review status: criteria provided, multiple submitters, no conflicts (2 of 4 stars). 2 submissions from 2 submitters: Uncertain significance (2). Last evaluated 2025-12-16.

Conditions:
Primary dilated cardiomyopathy (DCM). Also called: Dilated Cardiomyopathy. Identifiers: Orphanet 217604, MedGen C0007193, MeSH D002311, MONDO:0005021, HP:0001644. Inheritance: Various modes of inheritance.

Allele frequency attached by ClinVar (database versions not stated): TOPMed below 0.00001.

Submissions (2):

Ambry Genetics
Classification: Uncertain significance. Last evaluated: 2025-12-16. Review status: criteria provided, single submitter. Criteria: Ambry Variant Classification Scheme 2023. Collection method: clinical testing. Allele origin: germline.

Labcorp Genetics (formerly Invitae), Labcorp
Classification: Uncertain significance for Primary dilated cardiomyopathy. Last evaluated: 2022-11-01. Review status: criteria provided, single submitter. Criteria: Invitae Variant Classification Sherloc (09022015). Collection method: clinical testing. Allele origin: germline.
Comment: This sequence change replaces isoleucine, which is neutral and non-polar, with valine, which is neutral and non-polar, at codon 47 of the FHL2 protein (p.Ile47Val). This variant is not present in population databases (gnomAD no frequency). In summary, the available evidence is currently insufficient to determine the role of this variant in disease. Therefore, it has been classified as a Variant of Uncertain Significance. Algorithms developed to predict the effect of missense changes on protein structure and function are either unavailable or do not agree on the potential impact of this missense change (SIFT: "Deleterious"; PolyPhen-2: "Possibly Damaging"; Align-GVGD: "Class C0"). ClinVar contains an entry for this variant (Variation ID: 864548). This variant has not been reported in the literature in individuals affected with FHL2-related conditions.